The following is an entry in ClinVar:

ClinVar aggregate classification (germline): Pathogenic/Likely pathogenic. Review status: criteria provided, multiple submitters, no conflicts (2 of 4 stars). 37 submissions from 26 submitters: Pathogenic (13); Likely pathogenic (2). 22 of the submissions do not count toward it. Last evaluated 2026-01-23.
ClinVar aggregate classification (somatic clinical impact): Tier I - Strong. Review status: criteria provided, single submitter (1 of 4 stars). 11 submissions from 2 submitters. 4 of the submissions do not count toward it. Last evaluated 2025-04-08.
ClinVar aggregate classification (oncogenicity): Oncogenic (1 of 4 stars; one submission).

Conditions:
RAS-ASSOCIATED AUTOIMMUNE LEUKOPROLIFERATIVE DISORDER 2, SOMATIC.
KRAS-related disorder. Also called: KRAS-related disorders; KRAS-related condition.
Atypical endometrial hyperplasia. Identifiers: MedGen C0349579, MONDO:0006096.
Endometrial hyperplasia without atypia. Identifiers: MedGen C1516855, MONDO:0006193.
Gastric cancer. Also called: Stomach cancer; Malignant tumor of stomach. Identifiers: MedGen C0024623, MeSH D013274, MONDO:0001056, OMIM 613659, HP:0012126.
Acute myeloid leukemia (AML). Also called: Leukemia, acute myeloid, somatic; Leukemia, acute myelogenous, somatic; Acute myeloid leukemia, adult; AML adult; Acute non-lymphocytic leukemia; Acute granulocytic leukemia. Identifiers: Orphanet 519, MedGen C0023467, MeSH D015470, MONDO:0018874, OMIM 601626, HP:0004808. Disease mechanism: Constitutively activated FLT3.
Malignant tumor of urinary bladder. Also called: Urinary Bladder Neoplasms; Bladder cancer; Urinary bladder cancer. Identifiers: MedGen C0005684, MONDO:0001187, OMIM 109800.
Cerebral arteriovenous malformation (BAVM). Also called: CEREBRAL ARTERIOVENOUS MALFORMATIONS; Arteriovenous malformations of the brain. Identifiers: Orphanet 46724, MedGen C0917804, MONDO:0007154, OMIM 108010, HP:0002408.
Noonan syndrome 3 (NS3). Also called: KRAS-Related Noonan Syndrome. Identifiers: Orphanet 648, MedGen C1860991, MONDO:0012371, OMIM 609942.
Familial pancreatic carcinoma. Identifiers: Orphanet 1333, MedGen C2931038, MONDO:0015278, OMIM 260350.
Autoimmune lymphoproliferative syndrome type 4. Also called: AUTOIMMUNE LYMPHOPROLIFERATIVE SYNDROME, TYPE IV; RAS-associated autoimmune leukoproliferative disorder. Identifiers: Orphanet 268114, MedGen C2674723, MONDO:0013767, OMIM 614470.
Toriello-Lacassie-Droste syndrome. Identifiers: Orphanet 3339, MedGen C1838329, MONDO:0010854, OMIM 600268.
Familial cancer of breast. Also called: Hereditary breast cancer; BREAST CANCER, FAMILIAL; hereditary breast carcinoma. Identifiers: Orphanet 227535, MedGen C0346153, MONDO:0016419, OMIM 114480. Disease mechanism: loss of function.
Cardiofaciocutaneous syndrome 2 (CFC2). Also called: KRAS-Related Cardiofaciocutaneous Syndrome. Identifiers: Orphanet 1340, MedGen C3809005, MONDO:0014112, OMIM 615278.
Linear nevus sebaceous syndrome. Also called: JADASSOHN NEVUS PHAKOMATOSIS; NEVUS SEBACEUS OF JADASSOHN; Linear nevus sebaceous; Linear sebaceous nevus sequence; ORGANOID NEVUS PHAKOMATOSIS; SFM SYNDROME. Identifiers: Orphanet 2612, MedGen C4552097, MONDO:0008097, OMIM 163200, HP:0010817.
Lung cancer. Also called: Lung cancer, somatic; Malignant tumor of lung. Identifiers: MedGen C0242379, MONDO:0008903, OMIM 211980.
Cardiovascular phenotype. Identifiers: MedGen CN230736.
Primary low grade serous adenocarcinoma of ovary. Identifiers: MedGen C4302356.
Vascular Tumors Including Pyogenic Granuloma.
Congenital Pulmonary Airway Malformations.
Encephalocraniocutaneous lipomatosis (ECCL). Identifiers: Orphanet 2396, MedGen C0406612, MONDO:0013074, OMIM 613001.
RASopathy. Also called: Noonan spectrum disorder; rasopathies. Identifiers: Orphanet 536391, MedGen C5555857, MONDO:0021060.
Carcinoma of pancreas. Also called: Pancreatic cancer, somatic; Pancreatic carcinoma, somatic; PANCREATIC ACINAR CARCINOMA; PANCREATIC CARCINOMA; Exocrine pancreatic carcinoma. Identifiers: Orphanet 1333, Orphanet 217074, MedGen C0235974, MONDO:0005192. Disease mechanism: loss of function.
Ovarian neoplasm. Also called: Ovarian Neoplasms; Neoplasm of ovary; Ovarian tumor. Identifiers: MedGen C0919267, MeSH D010051, MONDO:0021068, HP:0100615.
Nevus sebaceous. Also called: NEVUS SEBACEOUS, SOMATIC. Identifiers: MedGen C3854181, HP:0010815.
Non-small cell lung carcinoma (NSCLC). Also called: Non-small cell lung cancer. Identifiers: MedGen C0007131, MeSH D002289, MONDO:0005233, HP:0030358. Disease mechanism: Other.
Epidermal nevus. Also called: NEVUS, KERATINOCYTIC, NONEPIDERMOLYTIC; Nevus, epidermal, somatic. Identifiers: Orphanet 79414, MedGen C0334082, MONDO:0008093, OMIM 162900, HP:0010816.
Capillary malformation-arteriovenous malformation 1 (CMAVM1). Identifiers: Orphanet 137667, Orphanet 693907, MedGen C4747394, MONDO:0020783, OMIM 608354.
Juvenile myelomonocytic leukemia (JMML). Also called: LEUKEMIA, JUVENILE MYELOMONOCYTIC, SOMATIC. Identifiers: Orphanet 86834, MedGen C0349639, MONDO:0011908, OMIM 607785, HP:0012209.
Ovarian mucinous adenocarcinoma. Identifiers: Orphanet 398961, MedGen C1335167, MONDO:0005601.
Medulloblastoma non-WNT/non-SHH. Identifiers: MedGen C4330667, MONDO:0850198.
Adenocarcinoma of the large intestine. Identifiers: MedGen C1319315, MONDO:0005008, HP:0040275.
Diffuse pediatric-type high-grade glioma, H3-wildtype and IDH-wildtype. Identifiers: MedGen C5669918, MONDO:0858939.
Diffuse midline glioma, H3 K27M-mutant. Identifiers: MedGen C4289688, MONDO:0957196.
Embryonal rhabdomyosarcoma (ERMS). Also called: Botryoid rhabdomyosarcoma (type of ERMS); Spindle cell rhabdomyosarcomas (type of ERMS). Identifiers: Orphanet 99757, MedGen C0206656, MONDO:0009993, HP:0006743.
Glioma. Also called: Neuroglial tumor. Identifiers: Orphanet 182067, MedGen C0017638, MeSH D005910, MONDO:0021042, HP:0009733.
Colorectal cancer. Also called: Malignant Colorectal Neoplasm; Colorectal cancer, somatic. Identifiers: MedGen C0346629, MONDO:0005575, OMIM 114500.
Alveolar rhabdomyosarcoma (RMS2). Also called: Alveolar rhabdomyosarcoma (disease); RHABDOMYOSARCOMA 2. Identifiers: Orphanet 780, Orphanet 99756, MedGen C0206655, MONDO:0009994, OMIM 268220, HP:0006779.
Papillary thyroid carcinoma. Also called: NONMEDULLARY THYROID CARCINOMA, PAPILLARY; Thyroid carcinoma, papillary, somatic; Thyroid gland papillary carcinoma. Identifiers: Orphanet 146, MedGen C0238463, MeSH D000077273, MONDO:0005075, HP:0002895.
Precursor B-cell acute lymphoblastic leukemia. Also called: Pre-B-cell acute lymphoblastic leukemia; B Acute Lymphoblastic Leukemia. Identifiers: Orphanet 99860, MedGen C0349636, MONDO:0020511, HP:0004812.
Neoplasm. Also called: tumor; Neoplasms; Neoplasm (disease). Identifiers: MedGen C0027651, MeSH D009369, MONDO:0005070, HP:0002664.

Allele frequency attached by ClinVar (database versions not stated): gnomAD exomes below 0.00001; gnomAD 0.00001; ExAC 0.00002.
gnomAD v4.1: 6 of 1,612,744 alleles (0.00037%); highest among the groups gnomAD compares: Non-Finnish European, 0.00042%; no homozygotes.

Submissions 1 to 2 of 49:

Victorian Clinical Genetics Services, Murdoch Childrens Research Institute
Classification: Pathogenic for Linear nevus sebaceous syndrome. Last evaluated: 2026-01-23. Review status: criteria provided, single submitter. Criteria: ACMG Guidelines, 2015. Collection method: clinical testing. Allele origin: germline. Affected: yes.
Comment: This variant is classified as Pathogenic. Evidence in support of pathogenic classification: Variant is present in gnomAD <0.001 for a dominant condition (v4: 6 heterozygote(s), 0 homozygote(s)); This variant has strong previous evidence of pathogenicity in unrelated individuals. This variant has been classified as pathogenic by multiple clinical laboratories in ClinVar and has been reported as mosaic in the literature in individuals with cutaneous lesions and neurofibromas/hypertrophic neuropathy and Schimmelpenning-Feuerstein-Mims syndrome (PMIDs: 30394973, 40682439, 38097938); Variant is located in a hotspot region or cluster of PATHOGENIC variants (DECIPHER, ClinGen RASopathy VCEP) - Missense variant predicted to be damaging by in silico tool(s) or highly conserved with a major amino acid change. Additional information: Variant is predicted to result in a missense amino acid change from Gly to Asp; This variant is heterozygous; This gene is associated with autosomal dominant disease. However, post-zygotic somatic alterations in the KRAS gene have also been reported (OMIM); Alternative amino acid change(s) at the same position are present in gnomAD (highest allele count: v4: 5 heterozygote(s), 0 homozygote(s)); Gain of function is a known mechanism of disease in this gene. This gene is associated with multiple somatic and germline conditions (OMIM); Inheritance information for this variant is not currently available in this individual.

3billion
Classification: Pathogenic for Linear nevus sebaceous syndrome. Last evaluated: 2026-01-09. Review status: criteria provided, single submitter. Criteria: ACMG Guidelines, 2015. Collection method: clinical testing. Allele origin: germline. Affected: yes.
Comment: The variant is observed at an extremely low frequency in the gnomAD v4.1.0 dataset (total allele frequency: <0.001%). Predicted Consequence/Location: The variant is located in a mutational hot spot and/or well-established functional domain in which established pathogenic variants have been reported (PMID: 29493581). Missense variant. Missense changes are a common disease-causing mechanism. In silico tool predictions suggest damaging effect of the variant on gene or gene product [REVEL: 0.88 (>=0.6, sensitivity 0.68 and specificity 0.92); 3Cnet: 0.99 (> 0.75, sensitivity 0.96 and precision 0.92)]. The same nucleotide change resulting in the same amino acid change has been previously reported as pathogenic/likely pathogenic with strong evidence (ClinVar ID: VCV000012582 /PMID: 21079152 /3billion dataset). Different missense changes at the same codon (p.Gly12Ala, p.Gly12Arg, p.Gly12Cys, p.Gly12Ser, p.Gly12Val) have been reported as pathogenic/likely pathogenic with strong evidence (ClinVar ID: VCV000012578, VCV000012579, VCV000012583, VCV000012584, VCV000045122, VCV001701193 /PMID: 17704260, 38413718). Therefore, this variant is classified as Pathogenic according to the recommendation of ACMG/AMP guideline.

NM_004985.5(KRAS):c.35G>A (p.Gly12Asp)

Gene: KRAS (KRas proto-oncogene, GTPase; minus strand). Cytogenetic location: 12p12.1.
Variant type: single nucleotide variant.
Coding change: c.35G>A on transcript NM_004985.5 (MANE Select); coding-DNA position 35, G replaced by A.
Protein change: p.Gly12Asp; replaces glycine 12 with aspartic acid.
Molecular consequence: missense variant.
Genome position (GRCh38, 1-based): chr12:25,245,350, C>T on the plus strand (G>A on the coding strand, the complement: KRAS is on the minus strand). VCF-style: chr12-25245350-C-T. GRCh37 (hg19) VCF-style: chr12-25398284-C-T.
Other names: c.35G>A, p.Gly12Asp (NM_001369786.1, NM_001369787.1, NM_033360.4); c.35G>A (LRG_344t1); short protein forms G12D.
Identifiers: ClinVar variation 12582 (VCV000012582.70), dbSNP rs121913529, ClinGen allele CA122538.